The following is an entry in ClinVar:

NM_000089.4(COL1A2):c.2133+3A>T

Gene: COL1A2 (collagen type I alpha 2 chain; plus strand). Cytogenetic location: 7q21.3.
Variant type: single nucleotide variant.
Coding change: c.2133+3A>T on transcript NM_000089.4 (MANE Select); 3 bases into the intron after coding-DNA position 2133, A replaced by T.
Molecular consequence: intron variant.
Genome position (GRCh38, 1-based): chr7:94,420,289, A>T. VCF-style: chr7-94420289-A-T. GRCh37 (hg19) VCF-style: chr7-94049601-A-T.
Identifiers: ClinVar variation 4851371 (VCV004851371.1).

ClinVar aggregate classification (germline): Likely pathogenic (1 of 4 stars; one submission).

Conditions:
Osteogenesis imperfecta (OI). Identifiers: Orphanet 666, MedGen C0029434, MeSH D010013, MONDO:0019019.

Submission:

Centre for Medical Genetics,  Mumbai
Classification: Likely pathogenic for Osteogenesis imperfecta. Last evaluated: 2026-04-01. Review status: criteria provided, single submitter. Criteria: ACMG Guidelines, 2015. Collection method: provider interpretation. Allele origin: germline. Inheritance: Autosomal dominant inheritance. Affected: yes. Observed: 1 variant allele, 1 heterozygote.
Comment: The variant satisfies the following ACMG criteria: PM2 - extremely low frequency in gnomAD population database, PP3 - computational prediction tools unanimously support a deleterious effect on the gene, PP4 - patient’s phenotype or family history is highly specific for a disease with a single genetic etiology

Literature cited by the submitters: PubMed 40047057.